The following is an entry in ClinVar:

NM_001987.5(ETV6):c.317C>G (p.Ser106Cys)

Genes: ETV6 (ETS variant transcription factor 6; plus strand), LOC126861451 (BRD4-independent group 4 enhancer GRCh37_chr12:11991350-11992549; plus strand). Cytogenetic location: 12p13.2.
Variant type: single nucleotide variant.
Coding change: c.317C>G on transcript NM_001987.5 (MANE Select); coding-DNA position 317, C replaced by G.
Protein change: p.Ser106Cys; replaces serine 106 with cysteine.
Molecular consequence: missense variant.
Genome position (GRCh38, 1-based): chr12:11,839,293, C>G. VCF-style: chr12-11839293-C-G. GRCh37 (hg19) VCF-style: chr12-11992227-C-G.
Other names: c.314C>G, p.Ser105Cys (NM_001413913.1); c.290C>G, p.Ser97Cys (NM_001413914.1); c.53C>G, p.Ser18Cys (NM_001413915.1); c.317C>G, p.Ser106Cys (NM_001413916.1, NM_001413917.1, NM_001413918.1); short protein forms S97C, S105C, S18C, S106C.
Identifiers: ClinVar variation 3846513 (VCV003846513.1).

ClinVar aggregate classification (germline): Uncertain significance (1 of 4 stars; one submission).

Conditions:
Inborn genetic diseases. Identifiers: MedGen C0950123, MeSH D030342.

Submission:

Ambry Genetics
Classification: Uncertain significance for Inborn genetic diseases. Last evaluated: 2025-01-21. Review status: criteria provided, single submitter. Criteria: Ambry Variant Classification Scheme 2023. Collection method: clinical testing. Allele origin: germline.
Comment: The p.S106C variant (also known as c.317C>G), located in coding exon 3 of the ETV6 gene, results from a C to G substitution at nucleotide position 317. The serine at codon 106 is replaced by cysteine, an amino acid with dissimilar properties. This amino acid position is conserved. In addition, this alteration is predicted to be tolerated by in silico analysis. Based on the available evidence, the clinical significance of this variant remains unclear.